The following is an entry in ClinVar:

NM_005188.4(CBL):c.1638G>A (p.Pro546=)

Gene: CBL (Cbl proto-oncogene; plus strand). Cytogenetic location: 11q23.3.
Variant type: single nucleotide variant.
Coding change: c.1638G>A on transcript NM_005188.4 (MANE Select); coding-DNA position 1638, G replaced by A.
Protein change: p.Pro546=; no amino-acid change (proline 546 retained).
Molecular consequence: synonymous variant.
Genome position (GRCh38, 1-based): chr11:119,285,263, G>A. VCF-style: chr11-119285263-G-A. GRCh37 (hg19) VCF-style: chr11-119155973-G-A.
Other names: c.1638G>A (NM_005188.2, NM_005188.3).
Identifiers: ClinVar variation 1643101 (VCV001643101.11), dbSNP rs375702554, ClinGen allele CA6318579.

ClinVar aggregate classification (germline): Likely benign. Review status: criteria provided, multiple submitters, no conflicts (2 of 4 stars). 3 submissions from 3 submitters: Likely benign (2). 1 of the submissions does not count toward it. Last evaluated 2026-01-25.

Conditions:
RASopathy. Also called: rasopathies; Noonan spectrum disorder. Identifiers: Orphanet 536391, MedGen C5555857, MONDO:0021060.
Cardiovascular phenotype. Identifiers: MedGen CN230736.
CBL-related disorder. Also called: NOONAN SYNDROME-LIKE DISORDER WITHOUT JUVENILE MYELOMONOCYTIC LEUKEMIA; CBL MUTATION-ASSOCIATED SYNDROME; CBL SYNDROME. Identifiers: Orphanet 363972, MedGen C3150803, MONDO:0013308, OMIM 613563.

Allele frequency attached by ClinVar (database versions not stated): gnomAD exomes 0.00001; ExAC 0.00002; gnomAD 0.00004 and 0.00005; 1000 Genomes Project 30x 0.00016; 1000 Genomes Project 0.00020.
gnomAD v4.1: 28 of 1,613,916 alleles (0.0017%); highest among the groups gnomAD compares: African/African-American, 0.0093%; no homozygotes.

Submissions (3):

Labcorp Genetics (formerly Invitae), Labcorp
Classification: Likely benign for RASopathy. Last evaluated: 2026-01-25. Review status: criteria provided, single submitter. Criteria: Invitae Variant Classification Sherloc (09022015). Collection method: clinical testing. Allele origin: germline.

Ambry Genetics
Classification: Likely benign for Cardiovascular phenotype. Last evaluated: 2024-09-24. Review status: criteria provided, single submitter. Criteria: Ambry Variant Classification Scheme 2023. Collection method: clinical testing. Allele origin: germline.

PreventionGenetics, part of Exact Sciences
Classification: Likely benign for CBL-related condition. Last evaluated: 2023-06-07. Review status: no assertion criteria provided. Collection method: clinical testing. Allele origin: germline. Not counted in ClinVar's aggregate classification.
Comment: This variant is classified as likely benign based on ACMG/AMP sequence variant interpretation guidelines (Richards et al. 2015 PMID: 25741868, with internal and published modifications).